The following is an entry in ClinVar:

NM_000071.3(CBS):c.1467+317G>A

Gene: CBS (cystathionine beta-synthase; minus strand). Cytogenetic location: 21q22.3.
Variant type: single nucleotide variant.
Coding change: c.1467+317G>A on transcript NM_000071.3 (MANE Select); 317 bases into the intron after coding-DNA position 1467, G replaced by A.
Molecular consequence: intron variant.
Genome position (GRCh38, 1-based): chr21:43,057,828, C>T on the plus strand (G>A on the coding strand, the complement: CBS is on the minus strand). VCF-style: chr21-43057828-C-T. GRCh37 (hg19) VCF-style: chr21-44477938-C-T.
Other names: c.1467+317G>A (NM_001320298.2, NM_001178009.3, NM_001178008.3); c.1152+317G>A (NM_001321072.1).
Identifiers: ClinVar variation 683332 (VCV000683332.1), dbSNP rs375968402, ClinGen allele CA321687138.

ClinVar aggregate classification (germline): Likely benign (1 of 4 stars; one submission).

Allele frequency attached by ClinVar (database versions not stated): gnomAD 0.02605; 1000 Genomes Project 0.04553.

Submission:

GeneDx
Classification: Likely benign. Last evaluated: 2018-06-18. Review status: criteria provided, single submitter. Criteria: GeneDx Variant Classification (06012015). Collection method: clinical testing. Allele origin: germline. Affected: yes.
Comment: This variant is considered likely benign or benign based on one or more of the following criteria: it is a conservative change, it occurs at a poorly conserved position in the protein, it is predicted to be benign by multiple in silico algorithms, and/or has population frequency not consistent with disease.